The following is an entry in ClinVar:

ClinVar aggregate classification (germline): Benign/Likely benign. Review status: criteria provided, multiple submitters, no conflicts (2 of 4 stars). 11 submissions from 11 submitters: Benign (6); Likely benign (3). 2 of the submissions do not count toward it. Last evaluated 2026-02-13.

Conditions:
Cardiovascular phenotype. Identifiers: MedGen CN230736.
Ehlers-Danlos syndrome (EDS). Identifiers: Orphanet 98249, MedGen C0013720, MONDO:0020066.
Brittle cornea syndrome 1 (BCS1). Also called: CORNEAL FRAGILITY, KERATOGLOBUS, BLUE SCLERAE, JOINT HYPEREXTENSIBILITY; EDS6B; FRAGILITAS OCULI WITH JOINT HYPEREXTENSIBILITY; DYSGENESIS MESODERMALIS CORNEAE ET SCLERAE; Corneal fragility keratoglobus, blue sclerae AND joint hypermobility. Identifiers: Orphanet 90354, MedGen C0268344, MONDO:0024543, OMIM 229200.

Allele frequency attached by ClinVar (database versions not stated): gnomAD exomes 0.00087 and 0.00191; ExAC 0.00351; 1000 Genomes Project 0.00799; 1000 Genomes Project 30x 0.00812; gnomAD 0.00878 and 0.00951; TOPMed 0.00964.
gnomAD v4.1: 2,604 of 1,546,878 alleles (0.17%); highest among the groups gnomAD compares: African/African-American, 3.1%; 38 homozygotes.

Submissions (11):

Women's Health and Genetics/Laboratory Corporation of America, LabCorp
Classification: Benign. Last evaluated: 2026-02-13. Review status: criteria provided, single submitter. Criteria: LabCorp Variant Classification Summary - May 2015. Collection method: clinical testing. Allele origin: germline.
Comment: Variant summary: ZNF469 c.9004A>C (p.Met3002Leu) results in a conservative amino acid change in the encoded protein sequence. Algorithms developed to predict the effect of missense changes on protein structure and function are either unavailable or do not agree on the potential impact of this missense change. The variant allele was found at a frequency of 0.0019 in 146760 control chromosomes, predominantly at a frequency of 0.033 within the African or African-American subpopulation in the gnomAD database, including 8 homozygotes. The observed variant frequency within African or African-American control individuals in the gnomAD database exceeds the estimated maximal expected allele frequency for disease-causing variants in ZNF469, and the presence of multiple homozygous controls in gnomAD is not consistent with the severe/early onset presentation of ZNF469-related conditions. To our knowledge, no occurrence of c.9004A>C in individuals affected with ZNF469-related conditions and no experimental evidence demonstrating its impact on protein function have been reported. The following publications have been ascertained in the context of this evaluation (PMID: 27040692, 24895405). ClinVar contains an entry for this variant (Variation ID: 321000). Based on the evidence outlined above, the variant was classified as benign.

Labcorp Genetics (formerly Invitae), Labcorp
Classification: Benign. Last evaluated: 2026-02-01. Review status: criteria provided, single submitter. Criteria: Invitae Variant Classification Sherloc (09022015). Collection method: clinical testing. Allele origin: germline.

Blueprint Genetics
Classification: Likely benign. Last evaluated: 2024-11-13. Review status: criteria provided, single submitter. Criteria: ACMG Guidelines, 2015. Collection method: clinical testing. Allele origin: germline.

Mayo Clinic Laboratories, Mayo Clinic
Classification: Benign. Last evaluated: 2024-08-01. Review status: criteria provided, single submitter. Criteria: ACMG Guidelines, 2015. Collection method: clinical testing. Allele origin: germline. Observed: 4 variant alleles.
Comment: BS1, BS2, BP4_strong

Genome Diagnostics Laboratory, The Hospital for Sick Children
Classification: Benign for Ehlers-Danlos syndrome. Last evaluated: 2021-12-08. Review status: criteria provided, single submitter. Criteria: ACMG Guidelines, 2015. Collection method: clinical testing. Allele origin: germline.

Genome-Nilou Lab
Classification: Benign for Brittle cornea syndrome 1. Last evaluated: 2021-12-05. Review status: criteria provided, single submitter. Criteria: ACMG Guidelines, 2015. Collection method: clinical testing. Allele origin: germline. Affected: no.

Ambry Genetics
Classification: Likely benign for Cardiovascular phenotype. Last evaluated: 2019-03-08. Review status: criteria provided, single submitter. Criteria: Ambry Variant Classification Scheme 2023. Collection method: clinical testing. Allele origin: germline.

GeneDx
Classification: Benign. Last evaluated: 2018-09-21. Review status: criteria provided, single submitter. Criteria: GeneDx Variant Classification Process June 2021. Collection method: clinical testing. Allele origin: germline. Affected: yes.
Comment: This variant is associated with the following publications: (PMID: 27040692)

Breakthrough Genomics
Classification: Likely benign. Review status: criteria provided, single submitter. Criteria: ACMG Guidelines, 2015. Collection method: not provided. Allele origin: germline. Inheritance: Autosomal recessive inheritance. Affected: yes.

Clinical Genetics DNA and cytogenetics Diagnostics Lab, Erasmus MC, Erasmus Medical Center
Classification: Benign. Review status: no assertion criteria provided. Collection method: clinical testing. Allele origin: germline. Affected: yes. Study: VKGL Data-share Consensus. Not counted in ClinVar's aggregate classification.

Genome Diagnostics Laboratory, Amsterdam University Medical Center
Classification: Benign. Review status: no assertion criteria provided. Collection method: clinical testing. Allele origin: germline. Affected: yes. Study: VKGL Data-share Consensus. Not counted in ClinVar's aggregate classification.

Literature cited by the submitters: PubMed 27040692 (cited by Women's Health and Genetics/Laboratory Corporation of America, LabCorp); PubMed 24895405 (cited by Women's Health and Genetics/Laboratory Corporation of America, LabCorp).

NM_001367624.2(ZNF469):c.9004A>C (p.Met3002Leu)

Gene: ZNF469 (zinc finger protein 469; plus strand). Cytogenetic location: 16q24.2.
Variant type: single nucleotide variant.
Coding change: c.9004A>C on transcript NM_001367624.2 (MANE Select); coding-DNA position 9004, A replaced by C.
Protein change: p.Met3002Leu; replaces methionine 3002 with leucine.
Molecular consequence: missense variant.
Genome position (GRCh38, 1-based): chr16:88,436,474, A>C. VCF-style: chr16-88436474-A-C. GRCh37 (hg19) VCF-style: chr16-88502882-A-C.
Other names: NM_001127464.2:c.8920A>C; p.Met3002Leu; short protein forms M3002L.
Identifiers: ClinVar variation 321000 (VCV000321000.25), dbSNP rs141776185, ClinGen allele CA8225392.